The following is an entry in ClinVar:

ClinVar aggregate classification (germline): Uncertain significance (1 of 4 stars; one submission).

Submission:

GeneDx
Classification: Uncertain significance. Last evaluated: 2025-03-26. Review status: criteria provided, single submitter. Criteria: GeneDx Variant Classification Process June 2021. Collection method: clinical testing. Allele origin: germline. Affected: yes.
Comment: Not observed at significant frequency in large population cohorts (gnomAD); In silico analysis supports that this missense variant has a deleterious effect on protein structure/function; Has not been previously published as pathogenic or benign to our knowledge.

NM_198503.5(KCNT2):c.886G>T (p.Ala296Ser)

Gene: KCNT2 (potassium sodium-activated channel subfamily T member 2; minus strand). Cytogenetic location: 1q31.3.
Variant type: single nucleotide variant.
Coding change: c.886G>T on transcript NM_198503.5 (MANE Select); coding-DNA position 886, G replaced by T.
Protein change: p.Ala296Ser; replaces alanine 296 with serine.
Molecular consequence: missense variant. On other transcripts: non-coding transcript variant (2).
Genome position (GRCh38, 1-based): chr1:196,428,203, C>A on the plus strand (G>T on the coding strand, the complement: KCNT2 is on the minus strand). VCF-style: chr1-196428203-C-A. GRCh37 (hg19) VCF-style: chr1-196397333-C-A.
Other names: c.886G>T, p.Ala296Ser (NM_001287819.3, NM_001287820.3); short protein forms A296S.
Identifiers: ClinVar variation 4088013 (VCV004088013.1).
Genomic context (GRCh38, chr1:196,428,203, plus strand): 5'-CCATAAGTAAATCAATCTTCAGTGAGCTGACACACAGGACGACATGCTTTTCAGTTTGAG[C>A]TCTATGTCGACTATAGTTTCCTCCTGACTTTTGTCTCTCCATCCACAAATAAGCCAGCTG-3'
Protein context (NP_940905.2, residues 286-306): KSGGNYSRHR[Ala296Ser]QTEKHVVLCV